The following is an entry in ClinVar:

NM_015041.3(CLUAP1):c.911G>A (p.Arg304His)

Gene: CLUAP1 (clusterin associated protein 1; plus strand). Cytogenetic location: 16p13.3.
Variant type: single nucleotide variant.
Coding change: c.911G>A on transcript NM_015041.3 (MANE Select); coding-DNA position 911, G replaced by A.
Protein change: p.Arg304His; replaces arginine 304 with histidine.
Molecular consequence: missense variant.
Genome position (GRCh38, 1-based): chr16:3,526,467, G>A. VCF-style: chr16-3526467-G-A. GRCh37 (hg19) VCF-style: chr16-3576467-G-A.
Other names: c.911G>A, p.Arg304His (NM_001330454.2); c.413G>A, p.Arg138His (NM_024793.3); c.911G>A (NM_015041.1); short protein forms R138H, R304H.
Identifiers: ClinVar variation 1434725 (VCV001434725.9), dbSNP rs142437945, ClinGen allele CA7863889.
Genomic context (GRCh38, chr16:3,526,467, plus strand): 5'-CACAGGAAGCTAAAAACACTCTCTGCCTGATACAGAACAAGCTCAAGGAGGAAGAGAAGC[G>A]CCTGCTCAAGAGTGGAAGTAAGGCTGGGCTTCGTAGACGAGCAGTTTACTCTGGACTAGT-3'
Protein context (NP_055856.1, residues 294-314): IQNKLKEEEK[Arg304His]LLKSGSNDDS

ClinVar aggregate classification (germline): Uncertain significance. Review status: criteria provided, multiple submitters, no conflicts (2 of 4 stars). 2 submissions from 2 submitters: Uncertain significance (2). Last evaluated 2025-09-28.

Allele frequency attached by ClinVar (database versions not stated): ExAC 0.00002; gnomAD exomes 0.00002; TOPMed 0.00005; gnomAD 0.00007; ESP Exome Variant Server 0.00015.
gnomAD v4.1: 61 of 1,607,718 alleles (0.0038%); highest among the groups gnomAD compares: African/African-American, 0.013%; no homozygotes.

Submissions (2):

Labcorp Genetics (formerly Invitae), Labcorp
Classification: Uncertain significance. Last evaluated: 2025-09-28. Review status: criteria provided, single submitter. Criteria: Invitae Variant Classification Sherloc (09022015). Collection method: clinical testing. Allele origin: germline.
Comment: This sequence change replaces arginine, which is basic and polar, with histidine, which is basic and polar, at codon 304 of the CLUAP1 protein (p.Arg304His). This variant is present in population databases (rs142437945, gnomAD 0.004%). This variant has not been reported in the literature in individuals affected with CLUAP1-related conditions. ClinVar contains an entry for this variant (Variation ID: 1434725). Invitae Evidence Modeling of protein sequence and biophysical properties (such as structural, functional, and spatial information, amino acid conservation, physicochemical variation, residue mobility, and thermodynamic stability) indicates that this missense variant is not expected to disrupt CLUAP1 protein function with a negative predictive value of 80%. In summary, the available evidence is currently insufficient to determine the role of this variant in disease. Therefore, it has been classified as a Variant of Uncertain Significance.

Ambry Genetics
Classification: Uncertain significance. Last evaluated: 2023-12-20. Review status: criteria provided, single submitter. Criteria: Ambry Variant Classification Scheme 2023. Collection method: clinical testing. Allele origin: germline.